The following is an entry in ClinVar:

NM_016120.4(RLIM):c.1468T>A (p.Ser490Thr)

Gene: RLIM (ring finger protein, LIM domain interacting; minus strand). Cytogenetic location: Xq13.2.
Variant type: single nucleotide variant.
Coding change: c.1468T>A on transcript NM_016120.4 (MANE Select); coding-DNA position 1468, T replaced by A.
Protein change: p.Ser490Thr; replaces serine 490 with threonine.
Molecular consequence: missense variant.
Genome position (GRCh38, 1-based): chrX:74,591,847, A>T on the plus strand (T>A on the coding strand, the complement: RLIM is on the minus strand). VCF-style: chrX-74591847-A-T. GRCh37 (hg19) VCF-style: chrX-73811682-A-T.
Other names: c.1468T>A, p.Ser490Thr (NM_183353.3); short protein forms S490T.
Identifiers: ClinVar variation 1707814 (VCV001707814.2), dbSNP rs2519833804, ClinGen allele CA413660094.

ClinVar aggregate classification (germline): Uncertain significance (1 of 4 stars; one submission).

Submission:

GeneDx
Classification: Uncertain significance. Last evaluated: 2022-03-30. Review status: criteria provided, single submitter. Criteria: GeneDx Variant Classification Process June 2021. Collection method: clinical testing. Allele origin: germline. Affected: yes.
Comment: Not observed at significant frequency in large population cohorts (gnomAD); In silico analysis supports that this missense variant does not alter protein structure/function; Has not been previously published as pathogenic or benign to our knowledge